The following is an entry in ClinVar:

NM_000179.3(MSH6):c.2985G>A (p.Glu995=)

Gene: MSH6 (mutS homolog 6; plus strand). Cytogenetic location: 2p16.3.
Variant type: single nucleotide variant.
Coding change: c.2985G>A on transcript NM_000179.3 (MANE Select); coding-DNA position 2985, G replaced by A.
Protein change: p.Glu995=; no amino-acid change (glutamic acid 995 retained).
Molecular consequence: synonymous variant.
Genome position (GRCh38, 1-based): chr2:47,800,968, G>A. VCF-style: chr2-47800968-G-A. GRCh37 (hg19) VCF-style: chr2-48028107-G-A.
Other names: c.2595G>A, p.Glu865= (NM_001281492.2); c.2079G>A, p.Glu693= (NM_001281493.2, NM_001281494.2).
Identifiers: ClinVar variation 822433 (VCV000822433.12), dbSNP rs754296496, ClinGen allele CA069921.
Genomic context (GRCh38, chr2:47,800,968, plus strand): 5'-CCGTTACCAGCTGGAAATTCCTGAGAATTTCACCACTCGCAATTTGCCAGAAGAATACGA[G>A]TTGAAATCTACCAAGAAGGGCTGTAAACGATACTGGACCAAAACTATTGAAAAGAAGTTG-3'
Protein context (NP_000170.1, residues 985-1005): FTTRNLPEEY[Glu995=]LKSTKKGCKR

ClinVar aggregate classification (germline): Benign/Likely benign. Review status: criteria provided, multiple submitters, no conflicts (2 of 4 stars). 4 submissions from 4 submitters: Benign (1); Likely benign (3). Last evaluated 2025-05-19.

Conditions:
Hereditary nonpolyposis colorectal neoplasms. Identifiers: MedGen C0009405, MeSH D003123.
Hereditary cancer-predisposing syndrome. Also called: Tumor predisposition; Hereditary Cancer Syndrome; Neoplastic Syndromes, Hereditary; Hereditary neoplastic syndrome. Identifiers: Orphanet 140162, MedGen C0027672, MeSH D009386, MONDO:0015356.
Lynch syndrome 5 (LYNCH5). Also called: Colorectal cancer, hereditary nonpolyposis, type 5; Hereditary non-polyposis colorectal cancer, type 5. Identifiers: Orphanet 144, MedGen C1833477, MONDO:0013710, OMIM 614350. Disease mechanism: loss of function.

Allele frequency attached by ClinVar (database versions not stated): ExAC 0.00001; gnomAD 0.00001.
gnomAD v4.1: 1 of 1,562,450 alleles (0.000064%); highest among the groups gnomAD compares: African/African-American, 0.0014%; no homozygotes.

Submissions (4):

Labcorp Genetics (formerly Invitae), Labcorp
Classification: Likely benign for Hereditary nonpolyposis colorectal neoplasms. Last evaluated: 2025-05-19. Review status: criteria provided, single submitter. Criteria: Invitae Variant Classification Sherloc (09022015). Collection method: clinical testing. Allele origin: germline.

Myriad Genetics, Inc.
Classification: Benign for Lynch syndrome 5. Last evaluated: 2025-01-02. Review status: criteria provided, single submitter. Criteria: Myriad Autosomal Dominant, Autosomal Recessive and X-Linked Classification Criteria (2023). Collection method: clinical testing. Allele origin: unknown.
Comment: This variant is considered benign. This variant is a silent/synonymous amino acid change and it is not expected to impact splicing.

Color Diagnostics, LLC DBA Color Health
Classification: Likely benign for Hereditary cancer-predisposing syndrome. Last evaluated: 2019-12-20. Review status: criteria provided, single submitter. Criteria: ACMG Guidelines, 2015. Collection method: clinical testing. Allele origin: germline.

Ambry Genetics
Classification: Likely benign for Hereditary cancer-predisposing syndrome. Last evaluated: 2019-07-03. Review status: criteria provided, single submitter. Criteria: Ambry Variant Classification Scheme 2023. Collection method: clinical testing. Allele origin: germline.